The following is an entry in ClinVar:

ClinVar aggregate classification (germline): Pathogenic/Likely pathogenic. Review status: criteria provided, multiple submitters, no conflicts (2 of 4 stars). 18 submissions from 18 submitters: Pathogenic (12); Likely pathogenic (4). 2 of the submissions do not count toward it. Last evaluated 2026-08-25.

Conditions:
ALPL-related disorder. Also called: ALPL-related disorders; ALPL-related condition.
Infantile hypophosphatasia. Identifiers: Orphanet 247651, Orphanet 436, MedGen C0268412, MONDO:1010169, OMIM 241500, MONDO:0009427.
Childhood hypophosphatasia. Identifiers: Orphanet 247667, Orphanet 436, MedGen C0220743, MONDO:1010168, OMIM 241510, MONDO:0009428.
Adult hypophosphatasia. Identifiers: Orphanet 247676, Orphanet 436, MedGen C0268413, MONDO:1010154, OMIM 146300, MONDO:0007798.
Hypophosphatasia. Also called: Phosphoethanol-aminuria. Identifiers: Orphanet 436, MedGen C0020630, MeSH D007014, MONDO:0018570.

Allele frequency attached by ClinVar (database versions not stated): gnomAD exomes 0.00007; TOPMed 0.00003; gnomAD 0.00004 and 0.00005; ExAC 0.00006.
gnomAD v4.1: 80 of 1,613,932 alleles (0.005%); highest among the groups gnomAD compares: East Asian, 0.17%; no homozygotes.

Submissions 1 to 11 of 18:

PreventionGenetics, part of Exact Sciences
Classification: Pathogenic for ALPL-related condition. Last evaluated: 2026-08-25. Review status: criteria provided, single submitter. Criteria: ACMG Guidelines, 2015. Collection method: clinical testing. Allele origin: germline.
Comment: The ALPL c.979T>C variant is predicted to result in the amino acid substitution p.Phe327Leu. In the compound heterozygous state, this variant has been documented to be pathogenic for mild or severe types of hypophosphatasia (Taketani et al. 2014. PubMed ID: 24276437; Ozono et al. 1996. PubMed ID: 8954059, reported as p.Phe310Leu; Michigami et al. 2019. PubMed ID: 31707452; Mao et al. 2019. PubMed ID: 31760938). Alternate nucleotide changes affecting the same amino acid (p.Phe327Cys, p.Phe327Gly) have been reported to be pathogenic (Mornet et al. 2001. PubMed ID: 11395499, reported as p.Phe310Cys; Taillandier et al. 2001. PubMed ID: 11438998, reported as p.Phe310Gly). This variant is reported in 0.11% of alleles in individuals of East Asian descent in gnomAD, and it is consistently classified as pathogenic/likely pathogenic by several submitters to the ClinVar database (Variation ID: 13673). This variant is interpreted as pathogenic.

Labcorp Genetics (formerly Invitae), Labcorp
Classification: Pathogenic. Last evaluated: 2026-01-25. Review status: criteria provided, single submitter. Criteria: Invitae Variant Classification Sherloc (09022015). Collection method: clinical testing. Allele origin: germline.
Comment: This sequence change replaces phenylalanine, which is neutral and non-polar, with leucine, which is neutral and non-polar, at codon 327 of the ALPL protein (p.Phe327Leu). This variant is present in population databases (rs121918010, gnomAD 0.1%). This missense change has been observed in individuals with autosomal recessive hypophosphatasia (PMID: 8954059, 9814472, 12412800, 15660230). This variant is also known as p.Phe310Leu. ClinVar contains an entry for this variant (Variation ID: 13673). Invitae Evidence Modeling of protein sequence and biophysical properties (such as structural, functional, and spatial information, amino acid conservation, physicochemical variation, residue mobility, and thermodynamic stability) indicates that this missense variant is expected to disrupt ALPL protein function with a positive predictive value of 95%. Experimental studies have shown that this missense change affects ALPL function (PMID: 8954059, 9814472, 15137467, 17916236, 18455459). For these reasons, this variant has been classified as Pathogenic.

Natera, Inc.
Classification: Pathogenic for Hypophosphatasia. Last evaluated: 2025-11-05. Review status: criteria provided, single submitter. Criteria: Natera Variant Classification Schema (03/2026). Collection method: clinical testing. Allele origin: germline.
Comment: The c.979T>C variant in ALPL is a missense variant predicted to cause substitution of phenylalanine to leucine at amino acid 327. This variant is rare in the general population with a frequency below the threshold expected for the associated phenotype(s). This variant has been observed in one or more individuals affected with the associated recessive disease, as either homozygous or compound heterozygous with a second variant (PMID: 24276437, 33827627, 33391183). Additionally, this variant has been observed to segregate in affected family members (PMID: 24276437). Computational prediction algorithms indicate this variant is likely to affect gene or protein function. Given the available evidence, this variant is classified as Pathogenic.

First Genomix Gene Laboratory, Genetic Diagnostics Department
Classification: Pathogenic for Adult hypophosphatasia; Childhood hypophosphatasia; Infantile hypophosphatasia. Last evaluated: 2025-09-12. Review status: criteria provided, single submitter. Criteria: ACMG Guidelines, 2015. Collection method: clinical testing. Allele origin: germline. Inheritance: Autosomal recessive inheritance. Affected: no. Observed: 1 variant allele.

Genomenon, Inc
Classification: Likely pathogenic for Hypophosphatasia. Last evaluated: 2025-08-29. Review status: criteria provided, single submitter. Criteria: Genomenon Sequence Variant Interpretation Standards. Collection method: curation. Allele origin: germline. Affected: yes.
Comment: ALPL c.979T>C is a missense variant that changes the amino acid at residue 327 from Phenylalanine to Leucine. This variant has been observed in multiple probands affected with hypophosphatasia (PMID:31707452;31600233;9452105;24145968;15660230;24276437;32390219;8954059;31014398;10397525;9814472;31760938;33391183). It has been observed in trans with a pathogenic variant (PMID:9814472). Functional studies have been reported;however, the significance of the findings remain unclear (PMID:15660230;9814472;18455459;15137467;31707452;8954059). This variant has been described as Phe310Leu in the literature. In silico models agree that this variant is possibly or probably damaging. In conclusion, we classify ALPL p.Phe327Leu (c.979T>C) as a likely pathogenic variant.

Fulgent Genetics
Classification: Pathogenic for Adult hypophosphatasia; Infantile hypophosphatasia; Childhood hypophosphatasia. Last evaluated: 2024-06-12. Review status: criteria provided, single submitter. Criteria: ACMG Guidelines, 2015. Collection method: clinical testing. Allele origin: germline.

JKU Lab, Dept of Paediatrics, Johannes Kepler University
Classification: Likely pathogenic for Hypophosphatasia. Last evaluated: 2024-06-11. Review status: criteria provided, single submitter. Criteria: ACMG Guidelines, 2015. Collection method: clinical testing. Allele origin: germline. Affected: yes.
Comment: The variant is present in GnomAD with a reported frequency of 0.001738 (v4.1) in the East Asian population. The ACMG criteria applied can be looked up in the ALPL gene variant database.

Baylor Genetics
Classification: Pathogenic for Adult hypophosphatasia. Last evaluated: 2024-03-26. Review status: criteria provided, single submitter. Criteria: ACMG Guidelines, 2015. Collection method: clinical testing. Allele origin: unknown.

GeneDx
Classification: Pathogenic. Last evaluated: 2022-02-04. Review status: criteria provided, single submitter. Criteria: GeneDx Variant Classification Process June 2021. Collection method: clinical testing. Allele origin: germline. Affected: yes.
Comment: In silico analysis supports that this missense variant has a deleterious effect on protein structure/function; Multiple functional studies show the variant results in approximately 70% activity levels compared to wild type, while an additional study suggests the activity may be similar to wild type. The data suggest the variant may contribute to a less severe phenotype; however, this has not been fully established (Ozono K et al., 1996; Cai G et al., 1998; Takinami H et al., 2004; Del Angel G et al., 2020); This variant is associated with the following publications: (PMID: 31857675, 9814472, 8954059, 15137467, 9452105, 24276437, 31014398, 31707452, 31600233, 20301329, 31760938, 32160374, 33452237, 11810413)

Blueprint Genetics
Classification: Pathogenic for ALPL-related disorders. Last evaluated: 2020-04-06. Review status: criteria provided, single submitter. Criteria: ACMG Guidelines, 2015. Collection method: clinical testing. Allele origin: germline. Affected: yes. Observed: 2 variant alleles.

Myriad Genetics, Inc.
Classification: Likely pathogenic for Infantile hypophosphatasia. Last evaluated: 2019-12-09. Review status: criteria provided, single submitter. Criteria: Myriad Women's Health Autosomal Recessive and X-Linked Classification Criteria (2019). Collection method: clinical testing. Allele origin: unknown.
Comment: NM_000478.4(ALPL):c.979T>C(F327L, aka F310L) is classified as likely pathogenic in the context of hypophosphatasia. Sources cited for classification include the following: PMID 24276437, 15137467, 15660230, 9452105 and 18455459. Classification of NM_000478.4(ALPL):c.979T>C(F327L, aka F310L) is based on the following criteria: This variant has been observed more frequently in patients with clinical diagnoses than in healthy populations. Please note: this variant was assessed in the context of healthy population screening.

NM_000478.6(ALPL):c.979T>C (p.Phe327Leu)

Gene: ALPL (alkaline phosphatase, biomineralization associated; plus strand). Cytogenetic location: 1p36.12.
Variant type: single nucleotide variant.
Coding change: c.979T>C on transcript NM_000478.6 (MANE Select); coding-DNA position 979, T replaced by C.
Protein change: p.Phe327Leu; replaces phenylalanine 327 with leucine.
Molecular consequence: missense variant.
Genome position (GRCh38, 1-based): chr1:21,573,781, T>C. VCF-style: chr1-21573781-T-C. GRCh37 (hg19) VCF-style: chr1-21900274-T-C.
Other names: F310L; NM_000478.4(ALPL):c.979T>C(p.Phe327Leu); NM_001127501.2(ALPL):c.814T>C(p.Phe272Leu); NM_001177520.1(ALPL):c.748T>C(p.Phe250Leu); c.814T>C, p.Phe272Leu (NM_001127501.4); c.748T>C, p.Phe250Leu (NM_001177520.3); c.979T>C, p.Phe327Leu (NM_001369803.2, NM_001369804.2, NM_001369805.2); short protein forms F327L, F250L, F272L.
Identifiers: ClinVar variation 13673 (VCV000013673.36), dbSNP rs121918010, ClinGen allele CA256930.
Genomic context (GRCh38, chr1:21,573,781, plus strand): 5'-CCGTCACTCTCCGAGATGGTGGTGGTGGCCATCCAGATCCTGCGGAAGAACCCCAAAGGC[T>C]TCTTCTTGCTGGTGGAAGGTAGGGACCCCGGGTCTGCTGAGAGGGGGCTGCTGGAAACAC-3'
Protein context (NP_000469.3, residues 317-337): IQILRKNPKG[Phe327Leu]FLLVEGGRID